The following is an entry in ClinVar:

NM_001084.5(PLOD3):c.308G>A (p.Arg103Gln)

Gene: PLOD3 (procollagen-lysine,2-oxoglutarate 5-dioxygenase 3; minus strand). Cytogenetic location: 7q22.1.
Variant type: single nucleotide variant.
Coding change: c.308G>A on transcript NM_001084.5 (MANE Select); coding-DNA position 308, G replaced by A.
Protein change: p.Arg103Gln; replaces arginine 103 with glutamine.
Molecular consequence: missense variant.
Genome position (GRCh38, 1-based): chr7:101,216,440, C>T on the plus strand (G>A on the coding strand, the complement: PLOD3 is on the minus strand). VCF-style: chr7-101216440-C-T. GRCh37 (hg19) VCF-style: chr7-100859721-C-T.
Other names: c.308G>A (NM_001084.4); short protein forms R103Q.
Identifiers: ClinVar variation 1422419 (VCV001422419.8), dbSNP rs147622037, ClinGen allele CA4408240.

ClinVar aggregate classification (germline): Conflicting classifications of pathogenicity. Review status: criteria provided, conflicting classifications (1 of 4 stars). 2 submissions from 2 submitters: Uncertain significance (1); Likely benign (1). Last evaluated 2023-01-10.

Conditions:
Inborn genetic diseases. Identifiers: MedGen C0950123, MeSH D030342.

Allele frequency attached by ClinVar (database versions not stated): TOPMed 0.00003; gnomAD 0.00004 and 0.00007; ESP Exome Variant Server 0.00015; ExAC 0.00022.
gnomAD v4.1: 225 of 1,614,050 alleles (0.014%); highest among the groups gnomAD compares: South Asian, 0.17%; 3 homozygotes.

Submissions (2):

Ambry Genetics
Classification: Likely benign for Inborn genetic diseases. Last evaluated: 2023-01-10. Review status: criteria provided, single submitter. Criteria: Ambry Variant Classification Scheme 2023. Collection method: clinical testing. Allele origin: germline.

Labcorp Genetics (formerly Invitae), Labcorp
Classification: Uncertain significance. Last evaluated: 2022-07-27. Review status: criteria provided, single submitter. Criteria: Invitae Variant Classification Sherloc (09022015). Collection method: clinical testing. Allele origin: germline.
Comment: This sequence change replaces arginine, which is basic and polar, with glutamine, which is neutral and polar, at codon 103 of the PLOD3 protein (p.Arg103Gln). The frequency data for this variant in the population databases is considered unreliable, as metrics indicate poor data quality at this position in the gnomAD database. This variant has not been reported in the literature in individuals affected with PLOD3-related conditions. ClinVar contains an entry for this variant (Variation ID: 1422419). Algorithms developed to predict the effect of missense changes on protein structure and function output the following: SIFT: "Tolerated"; PolyPhen-2: "Benign"; Align-GVGD: "Class C0". The glutamine amino acid residue is found in multiple mammalian species, which suggests that this missense change does not adversely affect protein function. In summary, the available evidence is currently insufficient to determine the role of this variant in disease. Therefore, it has been classified as a Variant of Uncertain Significance.